The following is an entry in ClinVar:

ClinVar aggregate classification (germline): Uncertain significance (1 of 4 stars; one submission).

Conditions:
Peroxisome biogenesis disorder, complementation group 7 (CG7). Also called: Peroxisome biogenesis disorder, complementation group B. Identifiers: MedGen C1864399.

Allele frequency attached by ClinVar (database versions not stated): TOPMed below 0.00001.

Submission:

Labcorp Genetics (formerly Invitae), Labcorp
Classification: Uncertain significance for Peroxisome biogenesis disorder, complementation group 7. Last evaluated: 2022-05-08. Review status: criteria provided, single submitter. Criteria: Invitae Variant Classification Sherloc (09022015). Collection method: clinical testing. Allele origin: germline.
Comment: Algorithms developed to predict the effect of missense changes on protein structure and function output the following: SIFT: "Tolerated"; PolyPhen-2: "Benign"; Align-GVGD: "Class C0". The serine amino acid residue is found in multiple mammalian species, which suggests that this missense change does not adversely affect protein function. In summary, the available evidence is currently insufficient to determine the role of this variant in disease. Therefore, it has been classified as a Variant of Uncertain Significance. This variant has not been reported in the literature in individuals affected with PEX10-related conditions. This variant is not present in population databases (gnomAD no frequency). This sequence change replaces proline, which is neutral and non-polar, with serine, which is neutral and polar, at codon 227 of the PEX10 protein (p.Pro227Ser).

NM_002617.4(PEX10):c.619C>T (p.Pro207Ser)

Gene: PEX10 (peroxisomal biogenesis factor 10; minus strand). Cytogenetic location: 1p36.32.
Variant type: single nucleotide variant.
Coding change: c.619C>T on transcript NM_002617.4 (MANE Select); coding-DNA position 619, C replaced by T.
Protein change: p.Pro207Ser; replaces proline 207 with serine.
Molecular consequence: missense variant. On other transcripts: non-coding transcript variant (1).
Genome position (GRCh38, 1-based): chr1:2,406,877, G>A on the plus strand (C>T on the coding strand, the complement: PEX10 is on the minus strand). VCF-style: chr1-2406877-G-A. GRCh37 (hg19) VCF-style: chr1-2338316-G-A.
Other names: c.676C>T, p.Pro226Ser (NM_001374425.1); c.244C>T, p.Pro82Ser (NM_001374426.1); c.187C>T, p.Pro63Ser (NM_001374427.1); c.679C>T, p.Pro227Ser (NM_153818.2); short protein forms P227S, P207S, P63S, P226S, P82S.
Identifiers: ClinVar variation 1926680 (VCV001926680.5), dbSNP rs1643026577, ClinGen allele CA337985716.